The following is an entry in ClinVar:

NM_000512.5(GALNS):c.868G>C (p.Gly290Arg)

Gene: GALNS (galactosamine (N-acetyl)-6-sulfatase; minus strand). Cytogenetic location: 16q24.3.
Variant type: single nucleotide variant.
Coding change: c.868G>C on transcript NM_000512.5 (MANE Select); coding-DNA position 868, G replaced by C.
Protein change: p.Gly290Arg; replaces glycine 290 with arginine.
Molecular consequence: missense variant.
Genome position (GRCh38, 1-based): chr16:88,835,243, C>G on the plus strand (G>C on the coding strand, the complement: GALNS is on the minus strand). VCF-style: chr16-88835243-C-G. GRCh37 (hg19) VCF-style: chr16-88901651-C-G.
Other names: c.313G>C, p.Gly105Arg (NM_001323543.2); c.886G>C, p.Gly296Arg (NM_001323544.2); short protein forms G105R, G290R, G296R.
Identifiers: ClinVar variation 1048427 (VCV001048427.3), dbSNP rs975409254, ClinGen allele CA397076034.

ClinVar aggregate classification (germline): Uncertain significance (1 of 4 stars; one submission).

Conditions:
Mucopolysaccharidosis, MPS-IV-A (MPS4A). Also called: Mucopolysaccharidosis type IV A; Mucopolysaccharidosis Type IVA; Morquio syndrome A, mild; MORQUIO SYNDROME A; MPS IVA; mucopolysaccharidosis type 4A. Identifiers: Orphanet 309297, Orphanet 582, MedGen C0086651, MONDO:0009659, OMIM 253000.

Submission:

Laboratory of Diagnosis and Therapy of Lysosomal Disorders, University of Padova
Classification: Uncertain significance for Mucopolysaccharidosis, MPS-IV-A. Last evaluated: 2021-02-01. Review status: criteria provided, single submitter. Criteria: ACMG Guidelines, 2015. Collection method: curation. Allele origin: germline. Affected: yes.
Comment: Absent from gnomAD v2.1.1 (PM2_moderate); multiple lines of computational evidence support a deleterious effect on the gene (PP3_supporting)

Literature cited by the submitters: PubMed 24035930; PubMed 34387910.